The following is an entry in ClinVar:

ClinVar aggregate classification (germline): Uncertain significance (1 of 4 stars; one submission).

Allele frequency attached by ClinVar (database versions not stated): gnomAD exomes below 0.00001.
gnomAD v4.1: 1 of 1,609,698 alleles (0.000062%); highest among the groups gnomAD compares: Non-Finnish European, 0.000085%; no homozygotes.

Submission:

Labcorp Genetics (formerly Invitae), Labcorp
Classification: Uncertain significance. Last evaluated: 2023-09-08. Review status: criteria provided, single submitter. Criteria: Invitae Variant Classification Sherloc (09022015). Collection method: clinical testing. Allele origin: germline.
Comment: This sequence change disrupts the translational stop signal of the ZNF408 mRNA. It is expected to extend the length of the ZNF408 protein by an uncertain number of additional amino acid residues. This variant is not present in population databases (gnomAD no frequency). This variant has not been reported in the literature in individuals affected with ZNF408-related conditions. In summary, the available evidence is currently insufficient to determine the role of this variant in disease. Therefore, it has been classified as a Variant of Uncertain Significance.

NM_024741.3(ZNF408):c.2163A>G (p.Ter721Trp)

Gene: ZNF408 (zinc finger protein 408; plus strand). Cytogenetic location: 11p11.2.
Variant type: single nucleotide variant.
Coding change: c.2163A>G on transcript NM_024741.3 (MANE Select); coding-DNA position 2163, A replaced by G.
Protein change: p.Ter721Trp.
Molecular consequence: stop lost.
Genome position (GRCh38, 1-based): chr11:46,705,863, A>G. VCF-style: chr11-46705863-A-G. GRCh37 (hg19) VCF-style: chr11-46727413-A-G.
Other names: c.2139A>G, p.Ter713Trp (NM_001184751.2).
Identifiers: ClinVar variation 2829944 (VCV002829944.3), dbSNP rs2064749298, ClinGen allele CA380258320.